The following is an entry in ClinVar:

ClinVar aggregate classification (germline): Uncertain significance (1 of 4 stars; one submission).

Conditions:
Kabuki syndrome. Also called: Kabuki make-up syndrome; NIIKAWA-KUROKI SYNDROME. Identifiers: Orphanet 2322, MedGen C0796004, MONDO:0016512.

gnomAD v4.1: 1 of 1,613,990 alleles (0.000062%); highest among the groups gnomAD compares: South Asian, 0.0011%; no homozygotes.

Submission:

Labcorp Genetics (formerly Invitae), Labcorp
Classification: Uncertain significance for Kabuki syndrome. Last evaluated: 2026-01-02. Review status: criteria provided, single submitter. Criteria: Invitae Variant Classification Sherloc (09022015). Collection method: clinical testing. Allele origin: germline.
Comment: This sequence change replaces aspartic acid, which is acidic and polar, with asparagine, which is neutral and polar, at codon 1518 of the KMT2D protein (p.Asp1518Asn). This variant is not present in population databases (gnomAD no frequency). This variant has not been reported in the literature in individuals affected with KMT2D-related conditions. Invitae Evidence Modeling of protein sequence and biophysical properties (such as structural, functional, and spatial information, amino acid conservation, physicochemical variation, residue mobility, and thermodynamic stability) indicates that this missense variant is not expected to disrupt KMT2D protein function with a negative predictive value of 95%. In summary, the available evidence is currently insufficient to determine the role of this variant in disease. Therefore, it has been classified as a Variant of Uncertain Significance.

NM_003482.4(KMT2D):c.4552G>A (p.Asp1518Asn)

Gene: KMT2D (lysine methyltransferase 2D; minus strand). Cytogenetic location: 12q13.12.
Variant type: single nucleotide variant.
Coding change: c.4552G>A on transcript NM_003482.4 (MANE Select); coding-DNA position 4552, G replaced by A.
Protein change: p.Asp1518Asn; replaces aspartic acid 1518 with asparagine.
Molecular consequence: missense variant.
Genome position (GRCh38, 1-based): chr12:49,046,291, C>T on the plus strand (G>A on the coding strand, the complement: KMT2D is on the minus strand). VCF-style: chr12-49046291-C-T. GRCh37 (hg19) VCF-style: chr12-49440074-C-T.
Other names: short protein forms D1518N.
Identifiers: ClinVar variation 4807641 (VCV004807641.1).
Genomic context (GRCh38, chr12:49,046,291, plus strand): 5'-CCAAAGTGAGGAGAAAGGGATGTTCTCACCGTTCACAGTGGCGGCACTGGATTAGTAGGT[C>T]CTCTTCTACGTAAGGAGCATGACAGATAGGGCAGGTCACCAGGCTGGCACAGGGCCCACA-3'
Protein context (NP_003473.3, residues 1508-1528): PICHAPYVEE[Asp1518Asn]LLIQCRHCER